The following is an entry in ClinVar:

ClinVar aggregate classification (germline): Uncertain significance (1 of 4 stars; one submission).

Allele frequency attached by ClinVar (database versions not stated): gnomAD 0.00005; TOPMed 0.00006; ExAC 0.00007.
gnomAD v4.1: 67 of 1,610,656 alleles (0.0042%); highest among the groups gnomAD compares: Middle Eastern, 0.067%; no homozygotes.

Submission:

Labcorp Genetics (formerly Invitae), Labcorp
Classification: Uncertain significance. Last evaluated: 2022-09-27. Review status: criteria provided, single submitter. Criteria: Invitae Variant Classification Sherloc (09022015). Collection method: clinical testing. Allele origin: germline.
Comment: This sequence change replaces arginine, which is basic and polar, with tryptophan, which is neutral and slightly polar, at codon 14 of the SLC6A19 protein (p.Arg14Trp). This variant is present in population databases (rs754340294, gnomAD 0.01%). This variant has not been reported in the literature in individuals affected with SLC6A19-related conditions. Advanced modeling of protein sequence and biophysical properties (such as structural, functional, and spatial information, amino acid conservation, physicochemical variation, residue mobility, and thermodynamic stability) performed at Invitae indicates that this missense variant is not expected to disrupt SLC6A19 protein function. In summary, the available evidence is currently insufficient to determine the role of this variant in disease. Therefore, it has been classified as a Variant of Uncertain Significance.

NM_001003841.3(SLC6A19):c.40C>T (p.Arg14Trp)

Gene: SLC6A19 (solute carrier family 6 member 19; plus strand). Cytogenetic location: 5p15.33.
Variant type: single nucleotide variant.
Coding change: c.40C>T on transcript NM_001003841.3 (MANE Select); coding-DNA position 40, C replaced by T.
Protein change: p.Arg14Trp; replaces arginine 14 with tryptophan.
Molecular consequence: missense variant.
Genome position (GRCh38, 1-based): chr5:1,201,690, C>T. VCF-style: chr5-1201690-C-T. GRCh37 (hg19) VCF-style: chr5-1201805-C-T.
Other names: short protein forms R14W.
Identifiers: ClinVar variation 2155189 (VCV002155189.1), dbSNP rs754340294, ClinGen allele CA3182541.